The following is an entry in ClinVar:

NM_078629.4(MSL3):c.229G>C (p.Asp77His)

Gene: MSL3 (MSL complex subunit 3; plus strand). Cytogenetic location: Xp22.2.
Variant type: single nucleotide variant.
Coding change: c.229G>C on transcript NM_078629.4 (MANE Select); coding-DNA position 229, G replaced by C.
Protein change: p.Asp77His; replaces aspartic acid 77 with histidine.
Molecular consequence: missense variant. On other transcripts: 5 prime UTR variant (2).
Genome position (GRCh38, 1-based): chrX:11,760,446, G>C. VCF-style: chrX-11760446-G-C. GRCh37 (hg19) VCF-style: chrX-11778565-G-C.
Other names: c.193G>C, p.Asp65His (NM_001193270.2); c.-136G>C (NM_001282174.1); c.-270G>C (NM_006800.4); c.229G>C, p.Asp77His (NM_078628.2); short protein forms D65H, D77H.
Identifiers: ClinVar variation 2500471 (VCV002500471.1), dbSNP rs1385362989, ClinGen allele CA412062862.

ClinVar aggregate classification (germline): Uncertain significance (1 of 4 stars; one submission).

gnomAD v4.1: 1 of 1,204,154 alleles (0.000083%); highest among the groups gnomAD compares: South Asian, 0.0018%; no homozygotes.

Submission:

GeneDx
Classification: Uncertain significance. Last evaluated: 2022-10-25. Review status: criteria provided, single submitter. Criteria: GeneDx Variant Classification Process June 2021. Collection method: clinical testing. Allele origin: germline. Affected: yes.
Comment: Not observed at significant frequency in large population cohorts (gnomAD); In silico analysis supports that this missense variant has a deleterious effect on protein structure/function; Has not been previously published as pathogenic or benign to our knowledge; Reported using an alternate transcript of the gene